The following is an entry in ClinVar:

ClinVar aggregate classification (germline): Uncertain significance. Review status: criteria provided, multiple submitters, no conflicts (2 of 4 stars). 2 submissions from 2 submitters: Uncertain significance (2). Last evaluated 2025-06-10.

gnomAD v4.1: 33 of 1,614,008 alleles (0.002%); highest among the groups gnomAD compares: Middle Eastern, 0.017%; no homozygotes.

Submissions (2):

Women's Health and Genetics/Laboratory Corporation of America, LabCorp
Classification: Uncertain significance. Last evaluated: 2025-06-10. Review status: criteria provided, single submitter. Criteria: LabCorp Variant Classification Summary - May 2015. Collection method: clinical testing. Allele origin: germline.
Comment: Variant summary: EXOC2 c.2676T>G (p.Asp892Glu) results in a conservative amino acid change in the encoded protein sequence. Algorithms developed to predict the effect of missense changes on protein structure and function are either unavailable or do not agree on the potential impact of this missense change. The variant allele was found at a frequency of 2e-05 in 251310 control chromosomes. The available data on variant occurrences in the general population are insufficient to allow any conclusion about variant significance. To our knowledge, no occurrence of c.2676T>G in individuals affected with Neurodevelopmental Disorder With Dysmorphic Facies And Cerebellar Hypoplasia and no experimental evidence demonstrating its impact on protein function have been reported. ClinVar contains an entry for this variant (Variation ID: 3510859). Based on the evidence outlined above, the variant was classified as uncertain significance.

Ambry Genetics
Classification: Uncertain significance. Last evaluated: 2024-11-10. Review status: criteria provided, single submitter. Criteria: Ambry Variant Classification Scheme 2023. Collection method: clinical testing. Allele origin: germline.

NM_018303.6(EXOC2):c.2676T>G (p.Asp892Glu)

Gene: EXOC2 (exocyst complex component 2; minus strand). Cytogenetic location: 6p25.3.
Variant type: single nucleotide variant.
Coding change: c.2676T>G on transcript NM_018303.6 (MANE Select); coding-DNA position 2676, T replaced by G.
Protein change: p.Asp892Glu; replaces aspartic acid 892 with glutamic acid.
Molecular consequence: missense variant. On other transcripts: non-coding transcript variant (1).
Genome position (GRCh38, 1-based): chr6:488,984, A>C on the plus strand (T>G on the coding strand, the complement: EXOC2 is on the minus strand). VCF-style: chr6-488984-A-C. GRCh37 (hg19) VCF-style: chr6-488984-A-C.
Other names: short protein forms D892E.
Identifiers: ClinVar variation 3510859 (VCV003510859.2).